The following is an entry in ClinVar:

NM_003820.4(TNFRSF14):c.305-462G>T

Gene: TNFRSF14 (TNF receptor superfamily member 14; plus strand). Cytogenetic location: 1p36.32.
Variant type: single nucleotide variant.
Coding change: c.305-462G>T on transcript NM_003820.4 (MANE Select); 462 bases into the intron before coding-DNA position 305, G replaced by T.
Molecular consequence: intron variant.
Genome position (GRCh38, 1-based): chr1:2,559,361, G>T. VCF-style: chr1-2559361-G-T. GRCh37 (hg19) VCF-style: chr1-2490800-G-T.
Other names: c.305-462G>T (NM_001297605.2).
Identifiers: ClinVar variation 133401 (VCV000133401.1), dbSNP rs587777985, ClinGen allele CA156493.

ClinVar aggregate classification (germline): not provided (0 of 4 stars; one submission).

Allele frequency attached by ClinVar (database versions not stated): gnomAD exomes below 0.00001 and 0.00001; TOPMed 0.00001.

Submission:

ITMI
No classification provided. Condition: AllHighlyPenetrant. Last evaluated: 2013-09-19. Review status: no classification provided. Collection method: reference population. Allele origin: germline.
Comment: Please see associated publication for description of ethnicities

Literature cited by the submitters: PubMed 24728327.